The following is an entry in ClinVar:

ClinVar aggregate classification (germline): Likely benign (1 of 4 stars; one submission).

Allele frequency attached by ClinVar (database versions not stated): TOPMed 0.00001.
gnomAD v4.1: 2 of 482,340 alleles (0.00041%); highest among the groups gnomAD compares: East Asian, 0.0038%; no homozygotes.

Submission:

GeneDx
Classification: Likely benign. Last evaluated: 2015-10-20. Review status: criteria provided, single submitter. Criteria: GeneDx Variant Classification (06012015). Collection method: clinical testing. Allele origin: germline. Affected: yes.
Comment: This variant is considered likely benign or benign based on one or more of the following criteria: it is a conservative change, it occurs at a poorly conserved position in the protein, it is predicted to be benign by multiple in silico algorithms, and/or has population frequency not consistent with disease.

NM_007194.4(CHEK2):c.-28C>A

Gene: CHEK2 (checkpoint kinase 2; minus strand). Cytogenetic location: 22q12.1.
Variant type: single nucleotide variant.
Coding change: c.-28C>A on transcript NM_007194.4 (MANE Select); 28 bases upstream of the start codon, C replaced by A.
Molecular consequence: 5 prime UTR variant.
Genome position (GRCh38, 1-based): chr22:28,741,790, G>T on the plus strand (C>A on the coding strand, the complement: CHEK2 is on the minus strand). VCF-style: chr22-28741790-G-T. GRCh37 (hg19) VCF-style: chr22-29137778-G-T.
Other names: c.-28C>A (NM_001005735.3, NM_001349956.3, NM_145862.3); c.-805C>A (NM_001257387.3).
Identifiers: ClinVar variation 381090 (VCV000381090.1), dbSNP rs1057520952, ClinGen allele CA16608648.